The following is an entry in ClinVar:

NM_001166114.2(PNPLA6):c.1769A>C (p.Gln590Pro)

Gene: PNPLA6 (patatin like domain 6, lysophospholipase; plus strand). Cytogenetic location: 19p13.2.
Variant type: single nucleotide variant.
Coding change: c.1769A>C on transcript NM_001166114.2 (MANE Select); coding-DNA position 1769, A replaced by C.
Protein change: p.Gln590Pro; replaces glutamine 590 with proline.
Molecular consequence: missense variant.
Genome position (GRCh38, 1-based): chr19:7,550,067, A>C. VCF-style: chr19-7550067-A-C. GRCh37 (hg19) VCF-style: chr19-7614953-A-C.
Other names: c.1796A>C, p.Gln599Pro (NM_001166111.2); c.1574A>C, p.Gln525Pro (NM_001166112.2); c.1652A>C, p.Gln551Pro (NM_001166113.1, NM_006702.5); short protein forms Q590P, Q525P, Q551P, Q599P.
Identifiers: ClinVar variation 1030131 (VCV001030131.1), dbSNP rs2023576110, ClinGen allele CA403120526.
Genomic context (GRCh38, chr19:7,550,067, plus strand): 5'-AACTGGTGGGGCAGCTGGCGGTGCTCACTGGCGAACCTCTCATCTTCACACTGCGAGCCC[A>C]ACGCGACTGCACCTTCCTGCGGATCTCCAAGTCCGACTTCTATGAGTATGACAGCCCGAA-3'
Protein context (NP_001159586.1, residues 580-600): GEPLIFTLRA[Gln590Pro]RDCTFLRISK

ClinVar aggregate classification (germline): Uncertain significance (1 of 4 stars; one submission).

Conditions:
Laurence-Moon syndrome (LNMS). Also called: PNPLA6-Related Laurence-Moon Syndrome (LMS). Identifiers: Orphanet 2377, MedGen C0023138, MONDO:0009514, OMIM 245800.

Allele frequency attached by ClinVar (database versions not stated): gnomAD exomes below 0.00001.
gnomAD v4.1: 1 of 1,614,082 alleles (0.000062%); highest among the groups gnomAD compares: South Asian, 0.0011%; no homozygotes.

Submission:

Baylor Genetics
Classification: Uncertain significance for Laurence-Moon syndrome. Last evaluated: 2020-07-16. Review status: criteria provided, single submitter. Criteria: ACMG Guidelines, 2015. Collection method: clinical testing. Allele origin: unknown. Affected: yes.
Comment: This variant was determined to be of uncertain significance according to ACMG Guidelines, 2015 [PMID:25741868].